The following is an entry in ClinVar:

ClinVar aggregate classification (germline): Benign/Likely benign. Review status: criteria provided, multiple submitters, no conflicts (2 of 4 stars). 3 submissions from 3 submitters: Benign (2); Likely benign (1). Last evaluated 2026-02-04.

Conditions:
Maple syrup urine disease (MSUD). Identifiers: Orphanet 511, MedGen C0024776, MeSH D008375, MONDO:0009563. Disease mechanism: loss of function.

Allele frequency attached by ClinVar (database versions not stated): gnomAD 0.00047 and 0.00049; gnomAD exomes 0.00090 and 0.00134; ExAC 0.00287.
gnomAD v4.1: 1,286 of 1,495,342 alleles (0.086%); highest among the groups gnomAD compares: Middle Eastern, 0.12%; no homozygotes.

Submissions (6):

Labcorp Genetics (formerly Invitae), Labcorp
Classification: Benign for Maple syrup urine disease. Last evaluated: 2026-02-04. Review status: criteria provided, single submitter. Criteria: Invitae Variant Classification Sherloc (09022015). Collection method: clinical testing. Allele origin: germline.

Genome-Nilou Lab
Classification: Benign for Maple syrup urine disease type 1A. Last evaluated: 2023-04-11. Review status: criteria provided, single submitter. Criteria: ACMG Guidelines, 2015. Collection method: clinical testing. Allele origin: germline. Affected: no.

Illumina Laboratory Services, Illumina
Classification: Likely benign for Maple syrup urine disease type 1A. Last evaluated: 2018-01-13. Review status: criteria provided, single submitter. Criteria: ICSL Variant Classification Criteria 13 December 2019. Collection method: clinical testing. Allele origin: germline.
Comment: This variant was observed in the ICSL laboratory as part of a predisposition screen in an ostensibly healthy population. It had not been previously curated by ICSL or reported in the Human Gene Mutation Database (HGMD: prior to June 1st, 2018), and was therefore a candidate for classification through an automated scoring system. Utilizing variant allele frequency, disease prevalence and penetrance estimates, and inheritance mode, an automated score was calculated to assess if this variant is too frequent to cause the disease. Based on the score and internal cut-off values, a variant classified as likely benign is not then subjected to further curation. The score for this variant resulted in a classification of likely benign for this disease.

Dr. Peter K. Rogan Lab, Western University
No classification provided (evidence only). Condition: Lung cancer. Review status: no classification provided. Collection method: in vitro. Allele origin: not applicable. Functional consequence: skipped exon. Not counted in ClinVar's aggregate classification.

Dr. Peter K. Rogan Lab, Western University
No classification provided (evidence only). Condition: Uterine corpus endometrial carcinoma. Review status: no classification provided. Collection method: in vitro. Allele origin: not applicable. Functional consequence: skipped exon. Not counted in ClinVar's aggregate classification.

Dr. Peter K. Rogan Lab, Western University
No classification provided (evidence only). Condition: Gastric cancer. Review status: no classification provided. Collection method: in vitro. Allele origin: not applicable. Functional consequence: retained intron. Not counted in ClinVar's aggregate classification.

NM_001918.5(DBT):c.1210-11T>A

Gene: DBT (dihydrolipoamide branched chain transacylase E2; minus strand). Cytogenetic location: 1p21.2.
Variant type: single nucleotide variant.
Coding change: c.1210-11T>A on transcript NM_001918.5 (MANE Select); 11 bases into the intron before coding-DNA position 1210, T replaced by A.
Molecular consequence: intron variant.
Genome position (GRCh38, 1-based): chr1:100,206,312, A>T on the plus strand (T>A on the coding strand, the complement: DBT is on the minus strand). VCF-style: chr1-100206312-A-T. GRCh37 (hg19) VCF-style: chr1-100671868-A-T.
Identifiers: ClinVar variation 291453 (VCV000291453.14), dbSNP rs751951997, ClinGen allele CA969544.